The following is an entry in ClinVar:

NM_174936.4(PCSK9):c.1504-5_1504-4del

Gene: PCSK9 (proprotein convertase subtilisin/kexin type 9; plus strand). Cytogenetic location: 1p32.3.
Variant type: Microsatellite.
Coding change: c.1504-5_1504-4del on transcript NM_174936.4 (MANE Select); 5 bases into the intron before coding-DNA position 1504 through 4 bases into the intron before coding-DNA position 1504, 2 bases deleted (CT; older notation c.1504-5_1504-4delCT).
Molecular consequence: intron variant.
Genome position (GRCh38, 1-based): chr1:55,059,481-55,059,482, CT deleted; deleting any 2 consecutive bases within chr1:55,059,479-55,059,482 gives the same sequence; the c. name uses the placement nearest the transcript's 3' end. VCF-style (leftmost placement, unchanged base first): chr1-55059478-ACT-A. GRCh37 (hg19) VCF-style: chr1-55525151-ACT-A.
Other names: c.1504-5_1504-4delCT (NM_174936.3).
Identifiers: ClinVar variation 468293 (VCV000468293.46), dbSNP rs755817854, ClinGen allele CA037834.

ClinVar aggregate classification (germline): Conflicting classifications of pathogenicity. Review status: criteria provided, conflicting classifications (1 of 4 stars). 9 submissions from 9 submitters: Uncertain significance (2); Benign (4); Likely benign (3). Last evaluated 2026-08-14.

Conditions:
Cardiovascular phenotype. Identifiers: MedGen CN230736.
Hypercholesterolemia, autosomal dominant, 3 (FHCL3). Also called: Familial Hypercholesterolemia, Autosomal Dominant, 3; Familial hypercholesterolemia 3; PCSK9-Related Familial Hypercholesterolemia, Autosomal Dominant. Identifiers: MedGen C1863551, MONDO:0011369, OMIM 603776.
Familial hypercholesterolemia. Also called: Familial hypercholesterolaemia; Familial hypercholesterolemias. Identifiers: MedGen C0020445, MONDO:0005439.

Submissions (9):

GeneDx
Classification: Uncertain significance. Last evaluated: 2026-08-14. Review status: criteria provided, single submitter. Criteria: GeneDx Variant Classification Process June 2021. Collection method: clinical testing. Allele origin: germline.
Comment: Has not been previously published as pathogenic or benign to our knowledge; In silico analysis is inconclusive as to whether the variant alters gene splicing. In the absence of RNA/functional studies, the actual effect of this sequence change is unknown.

Cambridge Genomics Laboratory, East Genomic Laboratory Hub, NHS Genomic Medicine Service
Classification: Uncertain significance for Familial hypercholesterolaemia. Last evaluated: 2026-01-28. Review status: criteria provided, single submitter. Criteria: ACGS Best Practice Guidelines for Variant Classification in Rare Disease 2020. Collection method: clinical testing. Allele origin: germline. Affected: yes.

CeGaT Center for Human Genetics Tuebingen
Classification: Benign. Last evaluated: 2026-01-01. Review status: criteria provided, single submitter. Criteria: CeGaT Center For Human Genetics Tuebingen Variant Classification Criteria Version 2. Collection method: clinical testing. Allele origin: germline. Affected: yes. Observed: 4 variant alleles.
Comment: PCSK9: BP4, BS1, BS2

Labcorp Genetics (formerly Invitae), Labcorp
Classification: Benign for Hypercholesterolemia, autosomal dominant, 3. Last evaluated: 2025-11-21. Review status: criteria provided, single submitter. Criteria: Invitae Variant Classification Sherloc (09022015). Collection method: clinical testing. Allele origin: germline.

Quest Diagnostics Nichols Institute San Juan Capistrano
Classification: Benign. Last evaluated: 2025-04-24. Review status: criteria provided, single submitter. Criteria: Quest Diagnostics criteria. Collection method: clinical testing. Allele origin: unknown.

All of Us Research Program, National Institutes of Health
Classification: Likely benign for Hypercholesterolemia, autosomal dominant, 3. Last evaluated: 2024-02-05. Review status: criteria provided, single submitter. Criteria: ACMG Guidelines, 2015. Collection method: clinical testing. Allele origin: germline. Inheritance: Autosomal dominant inheritance. Observed: 81 variant alleles, 80 heterozygotes, 1 homozygote.
Comment: This study involves interpretation of variants in research participants for the purpose of population health screening. Participant phenotype was not available at the time of variant classification. Additional details can be found in publication PMID: 35346344, PMCID: PMC8962531

Women's Health and Genetics/Laboratory Corporation of America, LabCorp
Classification: Benign. Last evaluated: 2021-02-15. Review status: criteria provided, single submitter. Criteria: LabCorp Variant Classification Summary - May 2015. Collection method: clinical testing. Allele origin: germline.
Comment: Variant summary: PCSK9 c.1504-5_1504-4delCT alters a nucleotide located close to a canonical splice site and therefore could affect mRNA splicing, leading to a significantly altered protein sequence. 4/4 computational tools predict no significant impact on normal splicing. However, these predictions have yet to be confirmed by functional studies. The variant allele was found at a frequency of 0.00031 in 167486 control chromosomes. The observed variant frequency is approximately 8 fold of the estimated maximal expected allele frequency for a pathogenic variant in PCSK9 causing Familial Hypercholesterolemia phenotype (3.8e-05), strongly suggesting that the variant is benign. To our knowledge, no occurrence of c.1504-5_1504-4delCT in individuals affected with Familial Hypercholesterolemia and no experimental evidence demonstrating its impact on protein function have been reported. Two clinical diagnostic laboratories have submitted clinical-significance assessments for this variant to ClinVar after 2014 without evidence for independent evaluation. Both laboratories classified the variant as benign. Based on the evidence outlined above, the variant was classified as benign.

Ambry Genetics
Classification: Likely benign for Cardiovascular phenotype. Last evaluated: 2018-02-08. Review status: criteria provided, single submitter. Criteria: Ambry Variant Classification Scheme 2023. Collection method: clinical testing. Allele origin: germline.

Color Diagnostics, LLC DBA Color Health
Classification: Likely benign for Familial hypercholesterolemias. Last evaluated: 2017-11-23. Review status: criteria provided, single submitter. Criteria: ACMG Guidelines, 2015. Collection method: clinical testing. Allele origin: germline.